The following is an entry in ClinVar:

NM_004104.5(FASN):c.4991G>A (p.Arg1664Gln)

Gene: FASN (fatty acid synthase; minus strand). Cytogenetic location: 17q25.3.
Variant type: single nucleotide variant.
Coding change: c.4991G>A on transcript NM_004104.5 (MANE Select); coding-DNA position 4991, G replaced by A.
Protein change: p.Arg1664Gln; replaces arginine 1664 with glutamine.
Molecular consequence: missense variant.
Genome position (GRCh38, 1-based): chr17:82,084,082, C>T on the plus strand (G>A on the coding strand, the complement: FASN is on the minus strand). VCF-style: chr17-82084082-C-T. GRCh37 (hg19) VCF-style: chr17-80041958-C-T.
Other names: c.4991G>A (NM_004104.4); short protein forms R1664Q.
Identifiers: ClinVar variation 1039618 (VCV001039618.11), dbSNP rs199547232, ClinGen allele CA295128328.

ClinVar aggregate classification (germline): Uncertain significance. Review status: criteria provided, multiple submitters, no conflicts (2 of 4 stars). 2 submissions from 2 submitters: Uncertain significance (2). Last evaluated 2024-10-21.

Conditions:
FASN-related disorder. Also called: FASN-related condition.
Epileptic encephalopathy. Identifiers: MedGen C0543888, HP:0200134.

Allele frequency attached by ClinVar (database versions not stated): gnomAD exomes 0.00001 and 0.00003; gnomAD 0.00002 and 0.00003; TOPMed 0.00003.
gnomAD v4.1: 24 of 1,557,798 alleles (0.0015%); highest among the groups gnomAD compares: Middle Eastern, 0.017%; no homozygotes.

Submissions (2):

Labcorp Genetics (formerly Invitae), Labcorp
Classification: Uncertain significance for Epileptic encephalopathy. Last evaluated: 2024-10-21. Review status: criteria provided, single submitter. Criteria: Invitae Variant Classification Sherloc (09022015). Collection method: clinical testing. Allele origin: germline.
Comment: This sequence change replaces arginine, which is basic and polar, with glutamine, which is neutral and polar, at codon 1664 of the FASN protein (p.Arg1664Gln). The frequency data for this variant in the population databases is considered unreliable, as metrics indicate poor data quality at this position in the gnomAD database. This variant has not been reported in the literature in individuals affected with FASN-related conditions. ClinVar contains an entry for this variant (Variation ID: 1039618). An algorithm developed to predict the effect of missense changes on protein structure and function (PolyPhen-2) suggests that this variant is likely to be tolerated. In summary, the available evidence is currently insufficient to determine the role of this variant in disease. Therefore, it has been classified as a Variant of Uncertain Significance.

PreventionGenetics, part of Exact Sciences
Classification: Uncertain significance for FASN-related condition. Last evaluated: 2024-10-18. Review status: criteria provided, single submitter. Criteria: ACMG Guidelines, 2015. Collection method: clinical testing. Allele origin: germline.
Comment: The FASN c.4991G>A variant is predicted to result in the amino acid substitution p.Arg1664Gln. To our knowledge, this variant has not been reported in the literature. This variant is reported in 0.016% of alleles in individuals of Latino descent in gnomAD. At this time, the clinical significance of this variant is uncertain due to the absence of conclusive functional and genetic evidence.